The following is an entry in ClinVar:

NM_007118.4(TRIO):c.7430_7431delinsTA (p.Ser2477Ile)

Gene: TRIO (trio Rho guanine nucleotide exchange factor; plus strand). Cytogenetic location: 5p15.2.
Variant type: Indel.
Coding change: c.7430_7431delinsTA on transcript NM_007118.4 (MANE Select); coding-DNA positions 7430 to 7431, GC replaced by TA.
Protein change: p.Ser2477Ile; replaces serine 2477 with isoleucine.
Molecular consequence: missense variant.
Genome position (GRCh38, 1-based): chr5:14,488,058-14,488,059, GC replaced by TA. VCF-style: chr5-14488058-GC-TA. GRCh37 (hg19) VCF-style: chr5-14488167-GC-TA.
Other names: short protein forms S2477I.
Identifiers: ClinVar variation 1215014 (VCV001215014.3), dbSNP rs2126639435, ClinGen allele CA2499217707.

ClinVar aggregate classification (germline): Uncertain significance (1 of 4 stars; one submission).

Submission:

GeneDx
Classification: Uncertain significance. Last evaluated: 2021-06-23. Review status: criteria provided, single submitter. Criteria: GeneDx Variant Classification Process June 2021. Collection method: clinical testing. Allele origin: germline. Affected: yes.
Comment: Not observed at significant frequency in large population cohorts (Lek et al., 2016); In silico analysis, which includes protein predictors and evolutionary conservation, supports that this variant does not alter protein structure/function; Has not been previously published as pathogenic or benign to our knowledge; This variant is associated with the following publications: (PMID: 27535533)